The following is an entry in ClinVar:

NM_198252.3(GSN):c.351+2T>C

Gene: GSN (gelsolin; plus strand). Cytogenetic location: 9q33.2.
Variant type: single nucleotide variant.
Coding change: c.351+2T>C on transcript NM_198252.3 (MANE Select); the canonical splice donor site of the intron after coding-DNA position 351, T replaced by C.
Molecular consequence: splice donor variant.
Genome position (GRCh38, 1-based): chr9:121,303,067, T>C. VCF-style: chr9-121303067-T-C. GRCh37 (hg19) VCF-style: chr9-124065345-T-C.
Other names: c.351+2T>C (NM_001353054.1, NM_001353053.1, NM_001353060.2 and 10 more transcripts); c.384+2T>C (NM_001353064.2, NM_001353066.2, NM_001353073.2 and 13 more transcripts); c.459+2T>C (NM_001127663.2); c.423+2T>C (NM_001353076.2); c.-304+2T>C (NM_001353078.2); c.402+2T>C (NM_001258029.2); c.375+2T>C (NM_001258030.2); c.504+2T>C (NM_000177.5).
Identifiers: ClinVar variation 2698409 (VCV002698409.3), dbSNP rs2540574290, ClinGen allele CA374734932.

ClinVar aggregate classification (germline): Uncertain significance (1 of 4 stars; one submission).

Submission:

Labcorp Genetics (formerly Invitae), Labcorp
Classification: Uncertain significance. Last evaluated: 2023-12-08. Review status: criteria provided, single submitter. Criteria: Invitae Variant Classification Sherloc (09022015). Collection method: clinical testing. Allele origin: germline.
Comment: This sequence change affects a donor splice site in intron 3 of the GSN gene. It is expected to disrupt RNA splicing. Variants that disrupt the donor or acceptor splice site typically lead to a loss of protein function (PMID: 16199547), however the current clinical and genetic evidence is not sufficient to establish whether loss-of-function variants in GSN cause disease. This variant is not present in population databases (gnomAD no frequency). This variant has not been reported in the literature in individuals affected with GSN-related conditions. Algorithms developed to predict the effect of sequence changes on RNA splicing suggest that this variant may disrupt the consensus splice site. In summary, the available evidence is currently insufficient to determine the role of this variant in disease. Therefore, it has been classified as a Variant of Uncertain Significance.

Literature cited by the submitters: PubMed 16199547.